The following is an entry in ClinVar:

NM_019066.5(MAGEL2):c.1927dup (p.Val643fs)

Gene: MAGEL2 (MAGE family member L2; minus strand). Cytogenetic location: 15q11.2.
Variant type: Duplication.
Coding change: c.1927dup on transcript NM_019066.5 (MANE Select); coding-DNA position 1927, one base duplicated (G; older notation c.1927dupG).
Protein change: p.Val643fs; shifts the reading frame from valine 643.
Molecular consequence: frameshift variant.
Genome position (GRCh38, 1-based): chr15:23,645,816, C duplicated on the plus strand (G on the coding strand, the reverse complement: MAGEL2 is on the minus strand); the first of 2 consecutive C bases (chr15:23,645,816-23,645,817); duplicating either gives the same sequence. VCF-style (leftmost placement, unchanged base first): chr15-23645815-A-AC. GRCh37 (hg19) VCF-style: chr15-23890962-A-AC.
Other names: c.1927dupG (NM_019066.4); short protein forms V643fs.
Identifiers: ClinVar variation 504272 (VCV000504272.3), dbSNP rs1555374254, ClinGen allele CA658798282.

ClinVar aggregate classification (germline): Pathogenic (1 of 4 stars; one submission).

Submission:

GeneDx
Classification: Pathogenic. Last evaluated: 2019-03-29. Review status: criteria provided, single submitter. Criteria: GeneDx Variant Classification Process June 2021. Collection method: clinical testing. Allele origin: germline. Affected: yes.
Comment: Has not been previously published as pathogenic or benign to our knowledge; Frameshift variant in the C-terminus predicted to result in protein truncation, as the last 607 amino acids are lost and replaced with 69 incorrect amino acids; Not observed in large population cohorts (Lek et al., 2016)